The following is an entry in ClinVar:

ClinVar aggregate classification (germline): Conflicting classifications of pathogenicity. Review status: criteria provided, conflicting classifications (1 of 4 stars). 5 submissions from 5 submitters: Likely pathogenic (3); Uncertain significance (1). 1 of the submissions does not count toward it. Last evaluated 2025-12-09.

Conditions:
Autosomal recessive nonsyndromic hearing loss 2. Also called: NEUROSENSORY NONSYNDROMIC RECESSIVE DEAFNESS 2; DEAFNESS, AUTOSOMAL RECESSIVE 2. Identifiers: Orphanet 90636, MedGen C1838701, MONDO:0010807, OMIM 600060.
Usher syndrome type 1 (USH1). Also called: RETINITIS PIGMENTOSA AND CONGENITAL DEAFNESS. Identifiers: Orphanet 231169, Orphanet 886, MedGen C1568247, MONDO:0010168, OMIM 276900.

Allele frequency attached by ClinVar (database versions not stated): gnomAD exomes 0.00002; ExAC 0.00002; TOPMed below 0.00001.
gnomAD v4.1: 31 of 1,613,992 alleles (0.0019%); highest among the groups gnomAD compares: Middle Eastern, 0.017%; no homozygotes.

Submissions (5):

Labcorp Genetics (formerly Invitae), Labcorp
Classification: Likely pathogenic. Last evaluated: 2025-12-09. Review status: criteria provided, single submitter. Criteria: Invitae Variant Classification Sherloc (09022015). Collection method: clinical testing. Allele origin: germline.
Comment: This sequence change replaces arginine, which is basic and polar, with cysteine, which is neutral and slightly polar, at codon 206 of the MYO7A protein (p.Arg206Cys). This variant is present in population databases (rs782361954, gnomAD 0.02%). This missense change has been observed in individual(s) with autosomal dominant deafness (PMID: 32428919). It has also been observed to segregate with disease in related individuals. ClinVar contains an entry for this variant (Variation ID: 551019). Invitae Evidence Modeling of protein sequence and biophysical properties (such as structural, functional, and spatial information, amino acid conservation, physicochemical variation, residue mobility, and thermodynamic stability) indicates that this missense variant is expected to disrupt MYO7A protein function with a positive predictive value of 95%. In summary, the currently available evidence indicates that the variant is pathogenic, but additional data are needed to prove that conclusively. Therefore, this variant has been classified as Likely Pathogenic.

Dasa
Classification: Likely pathogenic. Last evaluated: 2025-10-23. Review status: criteria provided, single submitter. Criteria: DASA Assertion Criteria. Collection method: clinical testing. Allele origin: germline.
Comment: NM_000260.4(MYO7A):c.616C>T (p.Arg206Cys) is a missense variant that results in the substitution of arginine with cysteine. The affected residue or protein region has prior evidence supporting clinical relevance. Segregation evidence has been reported in affected families. This variant has been recurrently observed in individuals with related phenotype (PMID: 19299023; PMID: 32428919). Multiple computational predictions support a deleterious effect on the gene or gene product. The variant is present at low frequency in population datasets. Based on the available data, this variant is classified as likely pathogenic.

Women's Health and Genetics/Laboratory Corporation of America, LabCorp
Classification: Uncertain significance. Last evaluated: 2025-06-03. Review status: criteria provided, single submitter. Criteria: LabCorp Variant Classification Summary - May 2015. Collection method: clinical testing. Allele origin: germline.
Comment: Variant summary: MYO7A c.616C>T (p.Arg206Cys) results in a non-conservative amino acid change located in the Myosin head, motor domain (IPR001609) of the encoded protein sequence. Algorithms developed to predict the effect of missense changes on protein structure and function all suggest that this variant is likely to be disruptive. The variant allele was found at a frequency of 2.4e-05 in 249168 control chromosomes. c.616C>T has been reported in the literature in heterozygous individuals affected with autosomal dominant nonsyndromic hearing loss, in a setting of multi-gene panel testing showing segregation with disease in one family (Lu_2020) or in a setting of single-gene testing in a proband with an unaffected heterozygous mother (Su_2009). These data indicate that the variant may be associated with disease. To our knowledge, no experimental evidence demonstrating an impact on protein function has been reported. The following publications have been ascertained in the context of this evaluation (PMID: 32428919, 19299023). ClinVar contains an entry for this variant (Variation ID: 551019). Based on the evidence outlined above, the variant was classified as VUS-possibly pathogenic.

Genomic Medicine Center of Excellence, King Faisal Specialist Hospital and Research Centre
Classification: Likely pathogenic for Usher syndrome type 1. Last evaluated: 2024-03-26. Review status: criteria provided, single submitter. Criteria: ACMG Guidelines, 2015. Collection method: clinical testing. Allele origin: germline.

Counsyl
Classification: Uncertain significance for Usher syndrome type 1; Autosomal recessive nonsyndromic hearing loss 2. Last evaluated: 2017-03-08. Review status: no assertion criteria provided. Collection method: clinical testing. Allele origin: unknown. Not counted in ClinVar's aggregate classification.

Literature cited by the submitters: PubMed 32428919 (cited by 3 submitters); PubMed 19299023 (cited by 3 submitters).

NM_000260.4(MYO7A):c.616C>T (p.Arg206Cys)

Gene: MYO7A (myosin VIIA; plus strand). Cytogenetic location: 11q13.5.
Variant type: single nucleotide variant.
Coding change: c.616C>T on transcript NM_000260.4 (MANE Select); coding-DNA position 616, C replaced by T.
Protein change: p.Arg206Cys; replaces arginine 206 with cysteine.
Molecular consequence: missense variant.
Genome position (GRCh38, 1-based): chr11:77,156,885, C>T. VCF-style: chr11-77156885-C-T. GRCh37 (hg19) VCF-style: chr11-76867931-C-T.
Other names: c.616C>T, p.Arg206Cys (NM_001127180.2); c.583C>T, p.Arg195Cys (NM_001369365.1); short protein forms R206C, R195C.
Identifiers: ClinVar variation 551019 (VCV000551019.11), dbSNP rs782361954, ClinGen allele CA6197203.
Genomic context (GRCh38, chr11:77,156,885, plus strand): 5'-AGCGGGCTTTGCCAGTGACACCCTACTCACTCCGCAGCATTTGGGAATGCCAAGACCATC[C>T]GCAATGACAACTCAAGCCGTTTCGGAAAGTACATCGACATCCACTTCAACAAGCGGGGCG-3'
Protein context (NP_000251.3, residues 196-216): LEAFGNAKTI[Arg206Cys]NDNSSRFGKY